The following is an entry in ClinVar:

NM_005228.5(EGFR):c.502G>C (p.Val168Leu)

Gene: EGFR (epidermal growth factor receptor; plus strand). Cytogenetic location: 7p11.2.
Variant type: single nucleotide variant.
Coding change: c.502G>C on transcript NM_005228.5 (MANE Select); coding-DNA position 502, G replaced by C.
Protein change: p.Val168Leu; replaces valine 168 with leucine.
Molecular consequence: missense variant. On other transcripts: intron variant (3).
Genome position (GRCh38, 1-based): chr7:55,146,683, G>C. VCF-style: chr7-55146683-G-C. GRCh37 (hg19) VCF-style: chr7-55214376-G-C.
Other names: c.502G>C, p.Val168Leu (NM_001346898.2, NM_201282.2, NM_201283.2 and 1 more transcripts); c.343G>C, p.Val115Leu (NM_001346900.2); c.424+3195G>C (NM_001346899.2, NM_001346897.2); c.89-9147G>C (NM_001346941.2); c.502G>C (NM_005228.3); short protein forms V168L, V115L.
Identifiers: ClinVar variation 1400101 (VCV001400101.9), dbSNP rs530692924, ClinGen allele CA4265233.

ClinVar aggregate classification (germline): Uncertain significance. Review status: criteria provided, multiple submitters, no conflicts (2 of 4 stars). 2 submissions from 2 submitters: Uncertain significance (2). Last evaluated 2026-04-01.

Conditions:
Hereditary cancer-predisposing syndrome. Also called: Tumor predisposition; Neoplastic Syndromes, Hereditary; Hereditary Cancer Syndrome; Hereditary neoplastic syndrome. Identifiers: Orphanet 140162, MedGen C0027672, MeSH D009386, MONDO:0015356.
EGFR-related lung cancer (EGFR). Identifiers: MedGen CN130014.

Allele frequency attached by ClinVar (database versions not stated): gnomAD exomes below 0.00001; ExAC 0.00001; 1000 Genomes Project 0.00020; gnomAD 0.00001; 1000 Genomes Project 30x 0.00016.
gnomAD v4.1: 1 of 1,614,110 alleles (0.000062%); highest among the groups gnomAD compares: Admixed American, 0.0017%; no homozygotes.

Submissions (2):

Ambry Genetics
Classification: Uncertain significance for Hereditary cancer-predisposing syndrome. Last evaluated: 2026-04-01. Review status: criteria provided, single submitter. Criteria: Ambry Variant Classification Scheme 2023. Collection method: clinical testing. Allele origin: germline.
Comment: The p.V168L variant (also known as c.502G>C), located in coding exon 4 of the EGFR gene, results from a G to C substitution at nucleotide position 502. The valine at codon 168 is replaced by leucine, an amino acid with highly similar properties. This amino acid position is well conserved in available vertebrate species. In addition, this alteration is predicted to be tolerated by in silico analysis. Based on the available evidence, the clinical significance of this variant remains unclear.

Labcorp Genetics (formerly Invitae), Labcorp
Classification: Uncertain significance for EGFR-related lung cancer. Last evaluated: 2021-06-09. Review status: criteria provided, single submitter. Criteria: Invitae Variant Classification Sherloc (09022015). Collection method: clinical testing. Allele origin: germline.
Comment: In summary, the available evidence is currently insufficient to determine the role of this variant in disease. Therefore, it has been classified as a Variant of Uncertain Significance. Algorithms developed to predict the effect of missense changes on protein structure and function (SIFT, PolyPhen-2, Align-GVGD) all suggest that this variant is likely to be tolerated, but these predictions have not been confirmed by published functional studies and their clinical significance is uncertain. This variant has not been reported in the literature in individuals with EGFR-related conditions. This variant is present in population databases (rs530692924, ExAC 0.009%). This sequence change replaces valine with leucine at codon 168 of the EGFR protein (p.Val168Leu). The valine residue is moderately conserved and there is a small physicochemical difference between valine and leucine.